The following is an entry in ClinVar:

NM_001166114.2(PNPLA6):c.50T>C (p.Val17Ala)

Gene: PNPLA6 (patatin like domain 6, lysophospholipase; plus strand). Cytogenetic location: 19p13.2.
Variant type: single nucleotide variant.
Coding change: c.50T>C on transcript NM_001166114.2 (MANE Select); coding-DNA position 50, T replaced by C.
Protein change: p.Val17Ala; replaces valine 17 with alanine.
Molecular consequence: missense variant. On other transcripts: intron variant (3).
Genome position (GRCh38, 1-based): chr19:7,535,838, T>C. VCF-style: chr19-7535838-T-C. GRCh37 (hg19) VCF-style: chr19-7600724-T-C.
Other names: c.77T>C, p.Val26Ala (NM_001166111.2); c.28-95T>C (NM_006702.5, NM_001166112.2, NM_001166113.1); short protein forms V17A, V26A.
Identifiers: ClinVar variation 4940373 (VCV004940373.2).

ClinVar aggregate classification (germline): Conflicting classifications of pathogenicity. Review status: criteria provided, conflicting classifications (1 of 4 stars). 2 submissions from 2 submitters: Uncertain significance (1); Likely benign (1). Last evaluated 2026-07-01.

gnomAD v4.1: 554 of 1,537,012 alleles (0.036%); highest among the groups gnomAD compares: Non-Finnish European, 0.046%; no homozygotes.

Submissions (2):

CeGaT Center for Human Genetics Tuebingen
Classification: Uncertain significance. Last evaluated: 2026-07-01. Review status: criteria provided, single submitter. Criteria: CeGaT Center For Human Genetics Tuebingen Variant Classification Criteria Version 2. Collection method: clinical testing. Allele origin: germline. Affected: yes. Observed: 1 variant allele.
Comment: PNPLA6: PM2, BP4

Blueprint Genetics
Classification: Likely benign. Last evaluated: 2024-11-05. Review status: criteria provided, single submitter. Criteria: ACMG Guidelines, 2015. Collection method: clinical testing. Allele origin: germline.